The following is an entry in ClinVar:

ClinVar aggregate classification (germline): Uncertain significance (1 of 4 stars; one submission).

Conditions:
Inborn genetic diseases. Identifiers: MedGen C0950123, MeSH D030342.

Submission:

Ambry Genetics
Classification: Uncertain significance for Inborn genetic diseases. Last evaluated: 2025-12-03. Review status: criteria provided, single submitter. Criteria: Ambry Variant Classification Scheme 2023. Collection method: clinical testing. Allele origin: germline.
Comment: The c.5634-6T>C intronic alteration consists of a T to C substitution 6 nucleotides before coding exon 40 in the SZT2 gene. This variant was not reported in population-based cohorts in the Genome Aggregation Database (gnomAD). Based on insufficient or conflicting evidence, the clinical significance of this alteration remains unclear.

NM_001365999.1(SZT2):c.5805-6T>C

Gene: SZT2 (SZT2 subunit of KICSTOR complex; plus strand). Cytogenetic location: 1p34.2.
Variant type: single nucleotide variant.
Coding change: c.5805-6T>C on transcript NM_001365999.1 (MANE Select); 6 bases into the intron before coding-DNA position 5805, T replaced by C.
Molecular consequence: intron variant.
Genome position (GRCh38, 1-based): chr1:43,434,380, T>C. VCF-style: chr1-43434380-T-C. GRCh37 (hg19) VCF-style: chr1-43900051-T-C.
Other names: c.5634-6T>C (NM_015284.4).
Identifiers: ClinVar variation 4632539 (VCV004632539.1).